The following is an entry in ClinVar:

ClinVar aggregate classification (germline): Uncertain significance (1 of 4 stars; one submission).

Submission:

Dasa
Classification: Uncertain significance. Last evaluated: 2025-07-30. Review status: criteria provided, single submitter. Criteria: DASA Assertion Criteria. Collection method: clinical testing. Allele origin: germline.
Comment: NM_020401.4(NUP107):c.969+3A>G is a splice-region variant. This variant affects a splice-region context with prior evidence supporting clinical relevance. This variant is absent from population databases. Computational prediction algorithms are consistent with a deleterious effect. The currently available literature and clinical evidence are not sufficient to establish a definitive association between this variant and the reported condition. Therefore, this variant is classified as a variant of uncertain significance.

NM_020401.4(NUP107):c.969+3A>G

Gene: NUP107 (nucleoporin 107; plus strand). Cytogenetic location: 12q15.
Variant type: single nucleotide variant.
Coding change: c.969+3A>G on transcript NM_020401.4 (MANE Select); 3 bases into the intron after coding-DNA position 969, A replaced by G.
Molecular consequence: intron variant.
Genome position (GRCh38, 1-based): chr12:68,713,811, A>G. VCF-style: chr12-68713811-A-G. GRCh37 (hg19) VCF-style: chr12-69107591-A-G.
Other names: c.882+3A>G (NM_001330192.2).
Identifiers: ClinVar variation 4882831 (VCV004882831.2).